The following is an entry in ClinVar:

NM_003906.5(MCM3AP):c.5372C>T (p.Ser1791Leu)

Genes: MCM3AP (minichromosome maintenance complex component 3 associated protein; minus strand), MCM3AP-AS1 (MCM3AP antisense RNA 1; plus strand). Cytogenetic location: 21q22.3.
Variant type: single nucleotide variant.
Coding change: c.5372C>T on transcript NM_003906.5 (MANE Select); coding-DNA position 5372, C replaced by T.
Protein change: p.Ser1791Leu; replaces serine 1791 with leucine.
Molecular consequence: missense variant. On other transcripts: non-coding transcript variant (2).
Genome position (GRCh38, 1-based): chr21:46,242,856, G>A on the plus strand (C>T on the coding strand, the complement: MCM3AP is on the minus strand). VCF-style: chr21-46242856-G-A. GRCh37 (hg19) VCF-style: chr21-47662770-G-A.
Other names: short protein forms S1791L.
Identifiers: ClinVar variation 2169624 (VCV002169624.1), dbSNP rs756378129, ClinGen allele CA10075876.

ClinVar aggregate classification (germline): Uncertain significance (1 of 4 stars; one submission).

Allele frequency attached by ClinVar (database versions not stated): gnomAD 0.00001; gnomAD exomes 0.00001; ExAC 0.00002; TOPMed 0.00003.
gnomAD v4.1: 19 of 1,612,916 alleles (0.0012%); highest among the groups gnomAD compares: East Asian, 0.0089%; no homozygotes.

Submission:

Labcorp Genetics (formerly Invitae), Labcorp
Classification: Uncertain significance. Last evaluated: 2022-08-07. Review status: criteria provided, single submitter. Criteria: Invitae Variant Classification Sherloc (09022015). Collection method: clinical testing. Allele origin: germline.
Comment: This sequence change replaces serine, which is neutral and polar, with leucine, which is neutral and non-polar, at codon 1791 of the MCM3AP protein (p.Ser1791Leu). This variant is present in population databases (rs756378129, gnomAD 0.006%). This variant has not been reported in the literature in individuals affected with MCM3AP-related conditions. Algorithms developed to predict the effect of missense changes on protein structure and function output the following: SIFT: "Tolerated"; PolyPhen-2: "Benign"; Align-GVGD: "Class C0". The leucine amino acid residue is found in multiple mammalian species, which suggests that this missense change does not adversely affect protein function. Algorithms developed to predict the effect of sequence changes on RNA splicing suggest that this variant may disrupt the consensus splice site. In summary, the available evidence is currently insufficient to determine the role of this variant in disease. Therefore, it has been classified as a Variant of Uncertain Significance.